The following is an entry in ClinVar:

ClinVar aggregate classification (germline): Uncertain significance (1 of 4 stars; one submission).

Submission:

Labcorp Genetics (formerly Invitae), Labcorp
Classification: Uncertain significance. Last evaluated: 2021-12-25. Review status: criteria provided, single submitter. Criteria: Invitae Variant Classification Sherloc (09022015). Collection method: clinical testing. Allele origin: germline.
Comment: Algorithms developed to predict the effect of missense changes on protein structure and function are either unavailable or do not agree on the potential impact of this missense change (SIFT: "Deleterious"; PolyPhen-2: "Probably Damaging"; Align-GVGD: "Class C0"). In summary, the available evidence is currently insufficient to determine the role of this variant in disease. Therefore, it has been classified as a Variant of Uncertain Significance. This variant has not been reported in the literature in individuals affected with SLC25A12-related conditions. This sequence change replaces tyrosine, which is neutral and polar, with histidine, which is basic and polar, at codon 639 of the SLC25A12 protein (p.Tyr639His). This variant is not present in population databases (gnomAD no frequency).

NM_003705.5(SLC25A12):c.1915T>C (p.Tyr639His)

Gene: SLC25A12 (solute carrier family 25 member 12; minus strand). Cytogenetic location: 2q31.1.
Variant type: single nucleotide variant.
Coding change: c.1915T>C on transcript NM_003705.5 (MANE Select); coding-DNA position 1915, T replaced by C.
Protein change: p.Tyr639His; replaces tyrosine 639 with histidine.
Molecular consequence: missense variant. On other transcripts: non-coding transcript variant (1).
Genome position (GRCh38, 1-based): chr2:171,785,396, A>G on the plus strand (T>C on the coding strand, the complement: SLC25A12 is on the minus strand). VCF-style: chr2-171785396-A-G. GRCh37 (hg19) VCF-style: chr2-172641906-A-G.
Other names: short protein forms Y639H.
Identifiers: ClinVar variation 1951549 (VCV001951549.5), dbSNP rs2545147470, ClinGen allele CA349287281.